The following is an entry in ClinVar:

NM_001267550.2(TTN):c.72073_72076delinsATC (p.Glu24025fs)

Genes: TTN (titin; minus strand), TTN-AS1 (TTN antisense RNA 1; plus strand). Cytogenetic location: 2q31.2.
Variant type: Indel.
Coding change: c.72073_72076delinsATC on transcript NM_001267550.2 (MANE Select); coding-DNA positions 72073 to 72076, GAGG replaced by ATC.
Protein change: p.Glu24025fs; shifts the reading frame from glutamic acid 24025.
Molecular consequence: frameshift variant.
Genome position (GRCh38, 1-based): chr2:178,574,056-178,574,059, CCTC replaced by GAT on the plus strand (GAGG replaced by ATC on the coding strand, the reverse complement: TTN is on the minus strand). VCF-style: chr2-178574056-CCTC-GAT. GRCh37 (hg19) VCF-style: chr2-179438783-CCTC-GAT.
Other names: c.67150_67153delinsATC, p.Glu22384fs (NM_001256850.1); c.44878_44881delinsATC, p.Glu14960fs (NM_003319.4); c.64369_64372delinsATC, p.Glu21457fs (NM_133378.4); c.45253_45256delinsATC, p.Glu15085fs (NM_133432.3); c.45454_45457delinsATC, p.Glu15152fs (NM_133437.4); c.44878_44881delGAGGinsATC (NM_003319.4); short protein forms E15085fs, E15152fs, E22384fs, E14960fs, E24025fs, E21457fs.
Identifiers: ClinVar variation 4824741 (VCV004824741.1).
Genomic context (GRCh38, chr2:178,574,056, plus strand): 5'-CTTCACCTGCTTTTAATATAACCGTGTCCTTAAATTTAACATCCACCTTTATCTTTGGTG[CCTC>GAT]AACATCATCCCTGCAAGTGATAGCATCAGATGGCTCAGATGGTGGACTGATGGCACCTGC-3'

ClinVar aggregate classification (germline): Likely pathogenic (1 of 4 stars; one submission).

Conditions:
Cardiovascular phenotype. Identifiers: MedGen CN230736.

Submission:

Ambry Genetics
Classification: Likely pathogenic for Cardiovascular phenotype. Last evaluated: 2026-02-13. Review status: criteria provided, single submitter. Criteria: Ambry Variant Classification Scheme 2023. Collection method: clinical testing. Allele origin: germline.
Comment: The c.44878_44881delGAGGinsATC variant, located in coding exon 153 of the TTN gene, results from the deletion of 4 nucleotides and insertion of 3 nucleotides causing a translational frameshift with a predicted alternate stop codon (p.E14960Ifs*5). This exon is located in the A-band region of the N2-B isoform of the titin protein and is constitutively expressed in TTN transcripts (percent spliced in or PSI 100%). This variant is considered to be rare based on population cohorts in the Genome Aggregation Database (gnomAD). This variant is expected to result in loss of function by premature protein truncation or nonsense-mediated mRNA decay. While truncating variants in TTN are present in 1-3% of the general population, truncating variants in the A-band are the most common cause of dilated cardiomyopathy (Herman DS et al. N. Engl. J. Med., 2012 Feb;366:619-28; Roberts AM et al. Sci Transl Med, 2015 Jan;7:270ra6). TTN truncating variants encoded in constitutive exons (PSI >90%) have been found to be significantly associated with DCM regardless of their position in titin (Schafer S et al. Nat. Genet., 2017 01;49:46-53; Akhtar MM et al. Circ Heart Fail, 2020 Oct;13:e006832; Massier M et al. Clin Genet, 2025 Jan). Based on the majority of available evidence to date, this variant is likely to be pathogenic.